The following is an entry in ClinVar:

NM_007254.4(PNKP):c.865+1G>T

Gene: PNKP (polynucleotide kinase 3'-phosphatase; minus strand). Cytogenetic location: 19q13.33.
Variant type: single nucleotide variant.
Coding change: c.865+1G>T on transcript NM_007254.4 (MANE Select); the canonical splice donor site of the intron after coding-DNA position 865, G replaced by T.
Molecular consequence: splice donor variant.
Genome position (GRCh38, 1-based): chr19:49,862,689, C>A on the plus strand (G>T on the coding strand, the complement: PNKP is on the minus strand). VCF-style: chr19-49862689-C-A. GRCh37 (hg19) VCF-style: chr19-50365946-C-A.
Identifiers: ClinVar variation 2823586 (VCV002823586.3), dbSNP rs762003634, ClinGen allele CA406882289.
Genomic context (GRCh38, chr19:49,862,689, plus strand): 5'-CGTTCCCACCAGCTCGGAGGGAGGCGTCCCAGCCCACCCTCAGCAGCCTCCAGGCCCTTA[C>A]CTCCCACAAAGATGCTGTCCCCGATGGATATGGGCGTGCCGTCGTTGGCCTACGGGAGAC-3'

ClinVar aggregate classification (germline): Likely pathogenic (1 of 4 stars; one submission).

Conditions:
Developmental and epileptic encephalopathy, 12 (DEE12). Identifiers: MedGen C3150988, MONDO:0013389, OMIM 613722.

Submission:

Labcorp Genetics (formerly Invitae), Labcorp
Classification: Likely pathogenic for Developmental and epileptic encephalopathy, 12. Last evaluated: 2022-12-23. Review status: criteria provided, single submitter. Criteria: Invitae Variant Classification Sherloc (09022015). Collection method: clinical testing. Allele origin: germline.
Comment: In summary, the currently available evidence indicates that the variant is pathogenic, but additional data are needed to prove that conclusively. Therefore, this variant has been classified as Likely Pathogenic. Algorithms developed to predict the effect of sequence changes on RNA splicing suggest that this variant may disrupt the consensus splice site. This variant has not been reported in the literature in individuals affected with PNKP-related conditions. This variant is not present in population databases (gnomAD no frequency). This sequence change affects a donor splice site in intron 9 of the PNKP gene. It is expected to disrupt RNA splicing. Variants that disrupt the donor or acceptor splice site typically lead to a loss of protein function (PMID: 16199547), and loss-of-function variants in PNKP are known to be pathogenic (PMID: 20118933, 25728773).

Literature cited by the submitters: PubMed 16199547; PubMed 20118933; PubMed 25728773.